The following is an entry in ClinVar:

ClinVar aggregate classification (germline): Likely benign. Review status: criteria provided, multiple submitters, no conflicts (2 of 4 stars). 2 submissions from 2 submitters: Likely benign (2). Last evaluated 2026-01-28.

Conditions:
OSTM1-related disorder. Also called: OSTM1-related condition.

Allele frequency attached by ClinVar (database versions not stated): gnomAD exomes 0.00001 and 0.00002; gnomAD 0.00002; TOPMed 0.00003; ExAC 0.00007.
gnomAD v4.1: 21 of 1,558,646 alleles (0.0013%); highest among the groups gnomAD compares: Middle Eastern, 0.017%; no homozygotes.

Submissions (2):

Labcorp Genetics (formerly Invitae), Labcorp
Classification: Likely benign. Last evaluated: 2026-01-28. Review status: criteria provided, single submitter. Criteria: Invitae Variant Classification Sherloc (09022015). Collection method: clinical testing. Allele origin: germline.

PreventionGenetics, part of Exact Sciences
Classification: Likely benign for OSTM1-related condition. Last evaluated: 2025-02-03. Review status: criteria provided, single submitter. Criteria: ACMG Guidelines, 2015. Collection method: clinical testing. Allele origin: germline.
Comment: This variant is classified as likely benign based on ACMG/AMP sequence variant interpretation guidelines (Richards et al. 2015 PMID: 25741868, with internal and published modifications).

NM_014028.4(OSTM1):c.144G>A (p.Ser48=)

Gene: OSTM1 (osteoclastogenesis associated transmembrane protein 1; minus strand). Cytogenetic location: 6q21.
Variant type: single nucleotide variant.
Coding change: c.144G>A on transcript NM_014028.4 (MANE Select); coding-DNA position 144, G replaced by A.
Protein change: p.Ser48=; no amino-acid change (serine 48 retained).
Molecular consequence: synonymous variant.
Genome position (GRCh38, 1-based): chr6:108,074,508, C>T on the plus strand (G>A on the coding strand, the complement: OSTM1 is on the minus strand). VCF-style: chr6-108074508-C-T. GRCh37 (hg19) VCF-style: chr6-108395712-C-T.
Other names: c.144G>A (NM_014028.3).
Identifiers: ClinVar variation 1498204 (VCV001498204.9), dbSNP rs750695134, ClinGen allele CA3948129.